The following is an entry in ClinVar:

NM_001042492.3(NF1):c.7581del (p.Gln2528fs)

Gene: NF1 (neurofibromin 1; plus strand). Cytogenetic location: 17q11.2.
Variant type: Deletion.
Coding change: c.7581del on transcript NM_001042492.3 (MANE Select); coding-DNA position 7581, one base deleted (G; older notation c.7581delG).
Protein change: p.Gln2528fs; shifts the reading frame from glutamine 2528.
Molecular consequence: frameshift variant.
Genome position (GRCh38, 1-based): chr17:31,352,380, G deleted; the last of 4 consecutive G bases (chr17:31,352,377-31,352,380); deleting any one gives the same sequence. VCF-style (leftmost placement, unchanged base first): chr17-31352376-TG-T. GRCh37 (hg19) VCF-style: chr17-29679394-TG-T.
Other names: c.7518delG (NM_000267.3); c.7518delG, p.Gln2507Asnfs (NM_000267.4); short protein forms Q2507fs, Q2528fs.
Identifiers: ClinVar variation 237598 (VCV000237598.7), dbSNP rs878853917, ClinGen allele CA10583527.
Genomic context (GRCh38, chr17:31,352,376, plus strand): 5'-CCACCTATCCAACTGTCGGCCAGACCAGTCCCCGAGCCAGGAAATCCATGAGCCTGGACA[TG>T]GGGCAACCTTCTCAGGCCAACACTAAGAAGTTGCTTGGTTAGTTTATCTAAATTATGTAG-3'

ClinVar aggregate classification (germline): Pathogenic/Likely pathogenic. Review status: criteria provided, multiple submitters, no conflicts (2 of 4 stars). 4 submissions from 4 submitters: Pathogenic (3); Likely pathogenic (1). Last evaluated 2023-12-23.

Conditions:
Neurofibromatosis, type 1 (NF1). Also called: VON RECKLINGHAUSEN DISEASE; NEUROFIBROMATOSIS, TYPE I, SOMATIC; Peripheral type neurofibromatosis; Neurofibromatosis, type I. Identifiers: Orphanet 636, MedGen C0027831, MONDO:0018975, OMIM 162200. Disease mechanism: loss of function.

Submissions (4):

Labcorp Genetics (formerly Invitae), Labcorp
Classification: Pathogenic for Neurofibromatosis, type 1. Last evaluated: 2023-12-23. Review status: criteria provided, single submitter. Criteria: Invitae Variant Classification Sherloc (09022015). Collection method: clinical testing. Allele origin: germline.
Comment: This sequence change creates a premature translational stop signal (p.Gln2507Asnfs*20) in the NF1 gene. It is expected to result in an absent or disrupted protein product. Loss-of-function variants in NF1 are known to be pathogenic (PMID: 10712197, 23913538). This variant is not present in population databases (gnomAD no frequency). This premature translational stop signal has been observed in individual(s) with neurofibromatosis, type 1 (PMID: 31370276). ClinVar contains an entry for this variant (Variation ID: 237598). For these reasons, this variant has been classified as Pathogenic.

GeneDx
Classification: Pathogenic. Last evaluated: 2023-11-27. Review status: criteria provided, single submitter. Criteria: GeneDx Variant Classification Process June 2021. Collection method: clinical testing. Allele origin: germline. Affected: yes.
Comment: Frameshift variant predicted to result in protein truncation or nonsense mediated decay in a gene for which loss of function is a known mechanism of disease; Not observed at significant frequency in large population cohorts (gnomAD); This variant is associated with the following publications: (PMID: 31370276)

Genome-Nilou Lab
Classification: Pathogenic for Neurofibromatosis, type 1. Last evaluated: 2022-03-15. Review status: criteria provided, single submitter. Criteria: ACMG Guidelines, 2015. Collection method: clinical testing. Allele origin: germline. Affected: no.

Center for Human Genetics, Inc
Classification: Likely pathogenic for Neurofibromatosis, type 1. Last evaluated: 2016-11-01. Review status: criteria provided, single submitter. Criteria: ACMG Guidelines, 2015. Collection method: clinical testing. Allele origin: germline. Affected: yes.

Literature cited by the submitters: PubMed 10712197 (cited by Labcorp Genetics (formerly Invitae), Labcorp); PubMed 23913538 (cited by Labcorp Genetics (formerly Invitae), Labcorp); PubMed 31370276 (cited by Labcorp Genetics (formerly Invitae), Labcorp).